The following is an entry in ClinVar:

NM_022915.5(MRPL44):c.416A>T (p.Gln139Leu)

Gene: MRPL44 (mitochondrial ribosomal protein L44; plus strand). Cytogenetic location: 2q36.1.
Variant type: single nucleotide variant.
Coding change: c.416A>T on transcript NM_022915.5 (MANE Select); coding-DNA position 416, A replaced by T.
Protein change: p.Gln139Leu; replaces glutamine 139 with leucine.
Molecular consequence: missense variant.
Genome position (GRCh38, 1-based): chr2:223,959,770, A>T. VCF-style: chr2-223959770-A-T. GRCh37 (hg19) VCF-style: chr2-224824487-A-T.
Other names: short protein forms Q139L.
Identifiers: ClinVar variation 1433450 (VCV001433450.6), dbSNP rs2106116566, ClinGen allele CA350806452.

ClinVar aggregate classification (germline): Uncertain significance (1 of 4 stars; one submission).

Submission:

Labcorp Genetics (formerly Invitae), Labcorp
Classification: Uncertain significance. Last evaluated: 2021-08-16. Review status: criteria provided, single submitter. Criteria: Invitae Variant Classification Sherloc (09022015). Collection method: clinical testing. Allele origin: germline.
Comment: This sequence change replaces glutamine with leucine at codon 139 of the MRPL44 protein (p.Gln139Leu). The glutamine residue is moderately conserved and there is a moderate physicochemical difference between glutamine and leucine. This variant is not present in population databases (ExAC no frequency). This variant has not been reported in the literature in individuals affected with MRPL44-related conditions. Algorithms developed to predict the effect of missense changes on protein structure and function (SIFT, PolyPhen-2, Align-GVGD) all suggest that this variant is likely to be tolerated. In summary, the available evidence is currently insufficient to determine the role of this variant in disease. Therefore, it has been classified as a Variant of Uncertain Significance.